The following is an entry in ClinVar:

NM_032444.4(SLX4):c.5144G>A (p.Ser1715Asn)

Gene: SLX4 (SLX4 structure-specific endonuclease subunit; minus strand). Cytogenetic location: 16p13.3.
Variant type: single nucleotide variant.
Coding change: c.5144G>A on transcript NM_032444.4 (MANE Select); coding-DNA position 5144, G replaced by A.
Protein change: p.Ser1715Asn; replaces serine 1715 with asparagine.
Molecular consequence: missense variant.
Genome position (GRCh38, 1-based): chr16:3,583,106, C>T on the plus strand (G>A on the coding strand, the complement: SLX4 is on the minus strand). VCF-style: chr16-3583106-C-T. GRCh37 (hg19) VCF-style: chr16-3633107-C-T.
Other names: short protein forms S1715N.
Identifiers: ClinVar variation 966193 (VCV000966193.12), dbSNP rs754498907, ClinGen allele CA7865422.

ClinVar aggregate classification (germline): Uncertain significance. Review status: criteria provided, multiple submitters, no conflicts (2 of 4 stars). 4 submissions from 4 submitters: Uncertain significance (4). Last evaluated 2025-12-18.

Conditions:
Fanconi anemia complementation group P. Also called: SLX4-Related Fanconi Anemia. Identifiers: Orphanet 84, MedGen C3469542, MONDO:0013499, OMIM 613951.
Fanconi anemia (FA). Also called: Fanconi's anemia. Identifiers: Orphanet 84, MedGen C0015625, MeSH D005199, MONDO:0019391.

Allele frequency attached by ClinVar (database versions not stated): ExAC 0.00001; gnomAD exomes 0.00001; TOPMed 0.00003.
gnomAD v4.1: 88 of 1,614,146 alleles (0.0055%); highest among the groups gnomAD compares: Non-Finnish European, 0.0073%; no homozygotes.

Submissions (4):

Labcorp Genetics (formerly Invitae), Labcorp
Classification: Uncertain significance for Fanconi anemia. Last evaluated: 2025-12-18. Review status: criteria provided, single submitter. Criteria: Invitae Variant Classification Sherloc (09022015). Collection method: clinical testing. Allele origin: germline.
Comment: This sequence change replaces serine, which is neutral and polar, with asparagine, which is neutral and polar, at codon 1715 of the SLX4 protein (p.Ser1715Asn). This variant is present in population databases (rs754498907, gnomAD 0.004%). This variant has not been reported in the literature in individuals affected with SLX4-related conditions. ClinVar contains an entry for this variant (Variation ID: 966193). An algorithm developed to predict the effect of missense changes on protein structure and function (PolyPhen-2) suggests that this variant is likely to be tolerated. In summary, the available evidence is currently insufficient to determine the role of this variant in disease. Therefore, it has been classified as a Variant of Uncertain Significance.

GeneDx
Classification: Uncertain significance. Last evaluated: 2022-05-10. Review status: criteria provided, single submitter. Criteria: GeneDx Variant Classification Process June 2021. Collection method: clinical testing. Allele origin: germline. Affected: yes.
Comment: In silico analysis supports that this missense variant does not alter protein structure/function; Has not been previously published as pathogenic or benign to our knowledge

Fulgent Genetics
Classification: Uncertain significance for Fanconi anemia complementation group P. Last evaluated: 2021-12-07. Review status: criteria provided, single submitter. Criteria: ACMG Guidelines, 2015. Collection method: clinical testing. Allele origin: unknown.

Institute for Clinical Genetics, University Hospital TU Dresden, University Hospital TU Dresden
Classification: Uncertain significance. Last evaluated: 2021-11-03. Review status: criteria provided, single submitter. Criteria: ACMG Guidelines, 2015. Collection method: clinical testing. Allele origin: germline.